The following is an entry in ClinVar:

ClinVar aggregate classification (germline): Pathogenic/Likely pathogenic. Review status: criteria provided, multiple submitters, no conflicts (2 of 4 stars). 16 submissions from 16 submitters: Pathogenic (9); Likely pathogenic (5). 2 of the submissions do not count toward it. Last evaluated 2026-01-26.

Conditions:
ECHS1-related disorder. Also called: ECHS1-related condition.
Inborn genetic diseases. Identifiers: MedGen C0950123, MeSH D030342.
ECHS1-related disorders.
Mitochondrial short-chain Enoyl-Coa hydratase 1 deficiency. Also called: ECHS1 deficiency; PxMD-ECHS1; Mitochondrial Short-Chain Enoyl-CoA Hydratase Deficiency. Identifiers: Orphanet 255241, Orphanet 653880, MedGen C4225391, MONDO:0014563, OMIM 616277.

Allele frequency attached by ClinVar (database versions not stated): gnomAD 0.00012 and 0.00013; ESP Exome Variant Server 0.00015; TOPMed 0.00015; gnomAD exomes 0.00026; ExAC 0.00043.

Submissions 1 to 13 of 16:

Labcorp Genetics (formerly Invitae), Labcorp
Classification: Pathogenic. Last evaluated: 2026-01-26. Review status: criteria provided, single submitter. Criteria: Invitae Variant Classification Sherloc (09022015). Collection method: clinical testing. Allele origin: germline.
Comment: This sequence change replaces alanine, which is neutral and non-polar, with valine, which is neutral and non-polar, at codon 173 of the ECHS1 protein (p.Ala173Val). This variant is present in population databases (rs150321966, gnomAD 0.04%). This missense change has been observed in individual(s) with ECHS1-related conditions (PMID: 27090768, 28039521, 30008475, 32677093, 32858208). In at least one individual the data is consistent with being in trans (on the opposite chromosome) from a pathogenic variant. It has also been observed to segregate with disease in related individuals. ClinVar contains an entry for this variant (Variation ID: 377257). Invitae Evidence Modeling of protein sequence and biophysical properties (such as structural, functional, and spatial information, amino acid conservation, physicochemical variation, residue mobility, and thermodynamic stability) indicates that this missense variant is not expected to disrupt ECHS1 protein function with a negative predictive value of 80%. For these reasons, this variant has been classified as Pathogenic.

PreventionGenetics, part of Exact Sciences
Classification: Pathogenic for ECHS1-related condition. Last evaluated: 2025-11-07. Review status: criteria provided, single submitter. Criteria: ACMG Guidelines, 2015. Collection method: clinical testing. Allele origin: germline.
Comment: The ECHS1 c.518C>T variant is predicted to result in the amino acid substitution p.Ala173Val. This variant has been reported in the compound heterozygous state in individuals with ECHS1-related disorders (Mahajan et al. 2016. PubMed ID: 28039521; Olgiati et al. 2016. PubMed ID: 27090768; Thiffault et al. 2018. PubMed ID: 30008475; Illsinger et al. 2020. PubMed ID: 32858208; Marti-Sanchez et al. 2020. PubMed ID: 32677093). This variant is reported in 0.042% of alleles in individuals of European (Non-Finnish) descent in gnomAD. This variant is interpreted as pathogenic.

Victorian Clinical Genetics Services, Murdoch Childrens Research Institute
Classification: Pathogenic for Mitochondrial short-chain Enoyl-Coa hydratase 1 deficiency. Last evaluated: 2025-09-12. Review status: criteria provided, single submitter. Criteria: ACMG Guidelines, 2015. Collection method: clinical testing. Allele origin: germline. Affected: yes.
Comment: This variant is classified as Pathogenic. Evidence in support of pathogenic classification: Variant is present in gnomAD <0.01 for a recessive condition (v4: 281 heterozygote(s), 1 homozygote(s)); This variant has strong previous evidence of pathogenicity in unrelated individuals. This variant has been classified as pathogenic and likely pathogenic by multiple clinical laboratories (ClinVar). It has also been reported in individuals with mitochondrial short-chain enoyl-CoA hydratase 1 deficiency, and notes to cause a mild phenotype characterised by paroxysmal and non-paroxysmal dystonia (PMID: 32858208, VCGS). Additional information: Variant is predicted to result in a missense amino acid change from Ala to Val; This variant is heterozygous; This gene is associated with autosomal recessive disease; Alternative amino acid change(s) at the same position are present in gnomAD (highest allele count: v4: 1 heterozygote(s), 0 homozygote(s)); Variant is located in the annotated spiral domain (PMID: 40240482); Missense variant with inconclusive in silico prediction and uninformative conservation; Loss of function is a known mechanism of disease in this gene and is associated with mitochondrial short-chain enoyl-CoA hydratase 1 deficiency (MIM#616277); Variants in this gene are known to have variable expressivity. The age at onset and clinical manifestations of ECHS1 deficiency are known to vary from severe neonatal onset to a slowly progressive juvenile form (PMID: 36064416).

Women's Health and Genetics/Laboratory Corporation of America, LabCorp
Classification: Pathogenic for Mitochondrial short-chain Enoyl-Coa hydratase 1 deficiency. Last evaluated: 2025-09-12. Review status: criteria provided, single submitter. Criteria: LabCorp Variant Classification Summary - May 2015. Collection method: clinical testing. Allele origin: germline.
Comment: Variant summary: ECHS1 c.518C>T (p.Ala173Val) results in a non-conservative amino acid change in the encoded protein sequence. Algorithms developed to predict the effect of missense changes on protein structure and function are either unavailable or do not agree on the potential impact of this missense change. The variant allele was found at a frequency of 0.00026 in 245094 control chromosomes. This frequency is not significantly higher than estimated for disease-causing variants in ECHS1, allowing no conclusion about variant significance. c.518C>T has been observed in multiple individuals affected with Mitochondrial Short-Chain Enoyl-Coa Hydratase 1 Deficiency, several of whom presented with dystonia (e.g. Olgiati_2016, Mahajan_2017, Illsinger_2020, Lim_2022, Martin-Saavedra_2022). These data indicate that the variant is very likely to be associated with disease. The following publications have been ascertained in the context of this evaluation (PMID: 32858208, 34716721, 28039521, 34052969, 27090768). ClinVar contains an entry for this variant (Variation ID: 377257). Based on the evidence outlined above, the variant was classified as pathogenic.

GeneDx
Classification: Pathogenic. Last evaluated: 2025-04-13. Review status: criteria provided, single submitter. Criteria: GeneDx Variant Classification Process June 2021. Collection method: clinical testing. Allele origin: germline. Affected: yes.
Comment: In silico analysis supports that this missense variant has a deleterious effect on protein structure/function; This variant is associated with the following publications: (PMID: 31219693, 33931985, 32777769, 30008475, 28039521, 27090768, 29882869, 26099313, 31628766, 32858208, 33929620, 34140924, 34716721, 32677093, 33258288, 35856138, 35206276, 34052969, Das_2022_Abstract, 36200804, 35394834, 36883047, 33688149)

Blueprint Genetics
Classification: Pathogenic for ECHS1-related disorders. Last evaluated: 2024-07-02. Review status: criteria provided, single submitter. Criteria: ACMG Guidelines, 2015. Collection method: clinical testing. Allele origin: germline. Affected: yes. Observed: 5 variant alleles.

Baylor Genetics
Classification: Pathogenic for Mitochondrial short-chain Enoyl-Coa hydratase 1 deficiency. Last evaluated: 2024-02-01. Review status: criteria provided, single submitter. Criteria: ACMG Guidelines, 2015. Collection method: clinical testing. Allele origin: unknown.

CeGaT Center for Human Genetics Tuebingen
Classification: Likely pathogenic. Last evaluated: 2023-04-01. Review status: criteria provided, single submitter. Criteria: CeGaT Center For Human Genetics Tuebingen Variant Classification Criteria Version 2. Collection method: clinical testing. Allele origin: germline. Affected: yes. Observed: 1 variant allele.
Comment: ECHS1: PM3:Strong, PM2, PP1

Revvity Omics, Revvity
Classification: Likely pathogenic for Mitochondrial short-chain Enoyl-Coa hydratase 1 deficiency. Last evaluated: 2020-01-15. Review status: criteria provided, single submitter. Criteria: ACMG Guidelines, 2015. Collection method: clinical testing. Allele origin: germline.

Mendelics
Classification: Likely pathogenic for Mitochondrial short-chain Enoyl-Coa hydratase 1 deficiency. Last evaluated: 2019-05-28. Review status: criteria provided, single submitter. Criteria: Mendelics Assertion Criteria 2017. Collection method: clinical testing. Allele origin: unknown.

Institute of Human Genetics Munich, TUM University Hospital
Classification: Pathogenic for Mitochondrial short-chain Enoyl-Coa hydratase 1 deficiency. Last evaluated: 2017-11-16. Review status: criteria provided, single submitter. Criteria: Classification criteria August 2017. Collection method: clinical testing. Allele origin: paternal, germline, maternal. Inheritance: Autosomal recessive inheritance. Affected: yes. Observed: 6 variant alleles. Clinical features observed: Ataxia (HP:0001251), Lactic acidosis (HP:0003128), Hypotonia (HP:0001252), Brain imaging abnormality (HP:0410263), Metabolic acidosis (HP:0001942), Global developmental delay (HP:0001263), Abnormal basal ganglia MRI signal intensity (HP:0012751), Dystonic disorder (HP:0001332), Paroxysmal dyskinesia (HP:0007166), Pallidal degeneration (HP:0007132), Sensorineural hearing loss disorder (HP:0000407), Hemidystonia (HP:0032005), and 5 more.

Center for Pediatric Genomic Medicine, Children's Mercy Hospital and Clinics
Classification: Likely pathogenic. Last evaluated: 2016-07-01. Review status: criteria provided, single submitter. Criteria: ACMG Guidelines, 2015. Collection method: clinical testing. Allele origin: germline.

Ambry Genetics
Classification: Likely pathogenic for Inborn genetic diseases. Last evaluated: 2016-06-09. Review status: criteria provided, single submitter. Criteria: Ambry exome assertion method (8-5-2015). Collection method: clinical testing. Allele origin: germline. Affected: yes. Observed: 1 variant allele.

NM_004092.4(ECHS1):c.518C>T (p.Ala173Val)

Gene: ECHS1 (enoyl-CoA hydratase, short chain 1; minus strand). Cytogenetic location: 10q26.3.
Variant type: single nucleotide variant.
Coding change: c.518C>T on transcript NM_004092.4 (MANE Select); coding-DNA position 518, C replaced by T.
Protein change: p.Ala173Val; replaces alanine 173 with valine.
Molecular consequence: missense variant.
Genome position (GRCh38, 1-based): chr10:133,366,990, G>A on the plus strand (C>T on the coding strand, the complement: ECHS1 is on the minus strand). VCF-style: chr10-133366990-G-A. GRCh37 (hg19) VCF-style: chr10-135180494-G-A.
Other names: short protein forms A173V.
Identifiers: ClinVar variation 377257 (VCV000377257.63), dbSNP rs150321966, ClinGen allele CA5765733.
Genomic context (GRCh38, chr10:133,366,990, plus strand): 5'-AGGACCATCTCCATCGCCAGCGACTTCCCAACAGCACGGGTGAGTCTCTGGGTGCCGCCC[G>A]CACCTGCAGGGAGGGGCTGGTCATGGCTGGCACTGTGATGAGTGAACCCAAGAAGACATC-3'
Protein context (NP_004083.3, residues 163-183): PEILIGTIPG[Ala173Val]GGTQRLTRAV